The following is an entry in ClinVar:

NM_004370.6(COL12A1):c.8548A>G (p.Met2850Val)

Gene: COL12A1 (collagen type XII alpha 1 chain; minus strand). Cytogenetic location: 6q13.
Variant type: single nucleotide variant.
Coding change: c.8548A>G on transcript NM_004370.6 (MANE Select); coding-DNA position 8548, A replaced by G.
Protein change: p.Met2850Val; replaces methionine 2850 with valine.
Molecular consequence: missense variant.
Genome position (GRCh38, 1-based): chr6:75,097,282, T>C on the plus strand (A>G on the coding strand, the complement: COL12A1 is on the minus strand). VCF-style: chr6-75097282-T-C. GRCh37 (hg19) VCF-style: chr6-75806998-T-C.
Other names: c.5056A>G, p.Met1686Val (NM_080645.3); short protein forms M2850V, M1686V.
Identifiers: ClinVar variation 569765 (VCV000569765.24), dbSNP rs369104842, ClinGen allele CA3892218.

ClinVar aggregate classification (germline): Conflicting classifications of pathogenicity. Review status: criteria provided, conflicting classifications (1 of 4 stars). 6 submissions from 6 submitters: Uncertain significance (4); Likely benign (2). Last evaluated 2026-01-28.

Conditions:
Ullrich congenital muscular dystrophy 2 (UCMD2). Identifiers: Orphanet 75840, MedGen C4225314, MONDO:0014654, OMIM 616470.
Bethlem myopathy 2 (BTHLM2). Identifiers: Orphanet 536516, Orphanet 610, MedGen C4225313, MONDO:0034022, OMIM 616471.

Allele frequency attached by ClinVar (database versions not stated): gnomAD exomes 0.00006 and 0.00009; ExAC 0.00008; 1000 Genomes Project 30x 0.00016; ESP Exome Variant Server 0.00017; TOPMed 0.00017; 1000 Genomes Project 0.00020; gnomAD 0.00023 and 0.00024.
gnomAD v4.1: 161 of 1,613,890 alleles (0.01%); highest among the groups gnomAD compares: African/African-American, 0.037%; no homozygotes.

Submissions (6):

GeneDx
Classification: Uncertain significance. Last evaluated: 2026-01-28. Review status: criteria provided, single submitter. Criteria: GeneDx Variant Classification Process June 2021. Collection method: clinical testing. Allele origin: germline. Affected: yes.
Comment: Has not been previously published as pathogenic or benign to our knowledge; In silico analysis suggests that this missense variant does not alter protein structure/function

Labcorp Genetics (formerly Invitae), Labcorp
Classification: Likely benign for Bethlem myopathy 2; Ullrich congenital muscular dystrophy 2. Last evaluated: 2026-01-20. Review status: criteria provided, single submitter. Criteria: Invitae Variant Classification Sherloc (09022015). Collection method: clinical testing. Allele origin: germline.

CeGaT Center for Human Genetics Tuebingen
Classification: Likely benign. Last evaluated: 2025-08-01. Review status: criteria provided, single submitter. Criteria: CeGaT Center For Human Genetics Tuebingen Variant Classification Criteria Version 2. Collection method: clinical testing. Allele origin: germline. Affected: yes. Observed: 1 variant allele.
Comment: COL12A1: BP4

Women's Health and Genetics/Laboratory Corporation of America, LabCorp
Classification: Uncertain significance. Last evaluated: 2025-05-19. Review status: criteria provided, single submitter. Criteria: LabCorp Variant Classification Summary - May 2015. Collection method: clinical testing. Allele origin: germline.
Comment: Variant summary: COL12A1 c.8548A>G (p.Met2850Val) results in a conservative amino acid change in the encoded protein sequence. Algorithms developed to predict the effect of missense changes on protein structure and function all suggest that this variant is likely to be tolerated. The variant allele was found at a frequency of 6e-05 in 249426 control chromosomes. This frequency is not significantly higher than estimated for a pathogenic variant in COL12A1 causing Ullrich congenital muscular dystrophy 2 (6e-05 vs 0.0035), allowing no conclusion about variant significance. To our knowledge, no occurrence of c.8548A>G in individuals affected with Ullrich congenital muscular dystrophy 2 and no experimental evidence demonstrating its impact on protein function have been reported. ClinVar contains an entry for this variant (Variation ID: 569765). Based on the evidence outlined above, the variant was classified as uncertain significance.

Revvity Omics, Revvity
Classification: Uncertain significance. Last evaluated: 2021-09-23. Review status: criteria provided, single submitter. Criteria: ACMG Guidelines, 2015. Collection method: clinical testing. Allele origin: germline.

Fulgent Genetics
Classification: Uncertain significance for Ullrich congenital muscular dystrophy 2; Bethlem myopathy 2. Last evaluated: 2018-10-31. Review status: criteria provided, single submitter. Criteria: ACMG Guidelines, 2015. Collection method: clinical testing. Allele origin: unknown.